The following is an entry in ClinVar:

NM_005751.5(AKAP9):c.5017A>G (p.Lys1673Glu)

Genes: AKAP9 (A-kinase anchoring protein 9; plus strand), LOC121175350 (Sharpr-MPRA regulatory region 2641; plus strand). Cytogenetic location: 7q21.2.
Variant type: single nucleotide variant.
Coding change: c.5017A>G on transcript NM_005751.5 (MANE Select); coding-DNA position 5017, A replaced by G.
Protein change: p.Lys1673Glu; replaces lysine 1673 with glutamic acid.
Molecular consequence: missense variant.
Genome position (GRCh38, 1-based): chr7:92,042,145, A>G. VCF-style: chr7-92042145-A-G. GRCh37 (hg19) VCF-style: chr7-91671459-A-G.
Other names: c.5017A>G, p.Lys1673Glu (NM_147185.3); short protein forms K1673E.
Identifiers: ClinVar variation 4034001 (VCV004034001.1).

ClinVar aggregate classification (germline): Uncertain significance (1 of 4 stars; one submission).

Conditions:
Cardiovascular phenotype. Identifiers: MedGen CN230736.

Submission:

Ambry Genetics
Classification: Uncertain significance for Cardiovascular phenotype. Last evaluated: 2025-05-08. Review status: criteria provided, single submitter. Criteria: Ambry Variant Classification Scheme 2023. Collection method: clinical testing. Allele origin: germline.
Comment: The p.K1673E variant (also known as c.5017A>G), located in coding exon 19 of the AKAP9 gene, results from an A to G substitution at nucleotide position 5017. The lysine at codon 1673 is replaced by glutamic acid, an amino acid with similar properties. This amino acid position is conserved. In addition, this alteration is predicted to be tolerated by in silico analysis. Based on the available evidence, the clinical significance of this variant remains unclear.